The following is an entry in ClinVar:

NM_004700.4(KCNQ4):c.824G>C (p.Trp275Ser)

Gene: KCNQ4 (potassium voltage-gated channel subfamily Q member 4; plus strand). Cytogenetic location: 1p34.2.
Variant type: single nucleotide variant.
Coding change: c.824G>C on transcript NM_004700.4 (MANE Select); coding-DNA position 824, G replaced by C.
Protein change: p.Trp275Ser; replaces tryptophan 275 with serine.
Molecular consequence: missense variant.
Genome position (GRCh38, 1-based): chr1:40,819,462, G>C. VCF-style: chr1-40819462-G-C. GRCh37 (hg19) VCF-style: chr1-41285134-G-C.
Other names: c.824G>C, p.Trp275Ser (NM_172163.3); short protein forms W275S.
Identifiers: ClinVar variation 372951 (VCV000372951.1), dbSNP rs1057518095, ClinGen allele CA16042364.
Genomic context (GRCh38, chr1:40,819,462, plus strand): 5'-TGGTCTACCTGGCTGAGAAGGACGCCAACTCCGACTTCTCCTCCTACGCCGACTCGCTCT[G>C]GTGGGGGACGGTGCGTGAGGGTCTTTGTAGGGCTGCCCTTCTCCCTGGGATCCTCCCTGG-3'
Protein context (NP_004691.2, residues 265-285): SDFSSYADSL[Trp275Ser]WGTITLTTIG

ClinVar aggregate classification (germline): Likely pathogenic (1 of 4 stars; one submission).

Submission:

GeneDx
Classification: Likely pathogenic. Last evaluated: 2016-06-10. Review status: criteria provided, single submitter. Criteria: GeneDx Variant Classification (06012015). Collection method: clinical testing. Allele origin: germline. Affected: yes.
Comment: The W275S variant in the KCNQ4 gene has not been reported previously as a pathogenic variant, nor as a benign variant, to our knowledge. The W275S variant was not observed in approximately 6500 individuals of European and African American ancestry in the NHLBI Exome Sequencing Project, indicating it is not a common benign variant in these populations. The W275S variant is a non-conservative amino acid substitution, which is likely to impact secondary protein structure as these residues differ in polarity, charge, size and/or other properties. This substitution occurs at a position within the P-loop domain that is conserved across species. In silico analysis also predicts this variant is probably damaging to the protein structure/function. A different missense variant at the same residue (W275R) has been published as a pathogenic variant segregating with nonsyndromic hearing loss in a large Chinese pedigree (Wang et al., 2014), and other missense variants in nearby residues (Y270H, L274H, W276S) have been reported in the Human Gene Mutation Database in association with KCNQ4-related nonsyndromic hearing loss (Stenson et al., 2014), thereby supporting the functional importance of this region of the protein. In summary, we interpret the W275S variant as a likely pathogenic variant, however the possibility it may be a rare benign variant cannot be excluded.